The following is an entry in ClinVar:

NM_004336.5(BUB1):c.1460A>G (p.Lys487Arg)

Gene: BUB1 (BUB1 mitotic checkpoint serine/threonine kinase; minus strand). Cytogenetic location: 2q13.
Variant type: single nucleotide variant.
Coding change: c.1460A>G on transcript NM_004336.5 (MANE Select); coding-DNA position 1460, A replaced by G.
Protein change: p.Lys487Arg; replaces lysine 487 with arginine.
Molecular consequence: missense variant.
Genome position (GRCh38, 1-based): chr2:110,658,466, T>C on the plus strand (A>G on the coding strand, the complement: BUB1 is on the minus strand). VCF-style: chr2-110658466-T-C. GRCh37 (hg19) VCF-style: chr2-111416043-T-C.
Other names: c.1400A>G, p.Lys467Arg (NM_001278616.2); c.1460A>G, p.Lys487Arg (NM_001278617.2); short protein forms K467R, K487R.
Identifiers: ClinVar variation 3483103 (VCV003483103.1).
Genomic context (GRCh38, chr2:110,658,466, plus strand): 5'-TTACTTTGAAACTGGGCTTCAAATGCATCTTCATTTTGATCTAGAGATTGCCATTCATCT[T>C]TGTCATCAGAAATATCAGGAAGTGTAGGAGCCTGAAACATATTCATGATGAAACCTTAAA-3'
Protein context (NP_004327.1, residues 477-497): APTLPDISDD[Lys487Arg]DEWQSLDQNE

ClinVar aggregate classification (germline): Uncertain significance (1 of 4 stars; one submission).

gnomAD v4.1: 1 of 1,614,134 alleles (0.000062%); highest among the groups gnomAD compares: Non-Finnish European, 0.000085%; no homozygotes.

Submission:

Ambry Genetics
Classification: Uncertain significance. Last evaluated: 2024-11-15. Review status: criteria provided, single submitter. Criteria: Ambry Variant Classification Scheme 2023. Collection method: clinical testing. Allele origin: germline.
Comment: The p.K487R variant (also known as c.1460A>G), located in coding exon 13 of the BUB1 gene, results from an A to G substitution at nucleotide position 1460. The lysine at codon 487 is replaced by arginine, an amino acid with highly similar properties. This amino acid position is conserved. In addition, this alteration is predicted to be tolerated by in silico analysis. Based on the available evidence, the clinical significance of this variant remains unclear.